The following is an entry in ClinVar:

NM_000180.4(GUCY2D):c.40C>G (p.Pro14Ala)

Gene: GUCY2D (guanylate cyclase 2D, retinal; plus strand). Cytogenetic location: 17p13.1.
Variant type: single nucleotide variant.
Coding change: c.40C>G on transcript NM_000180.4 (MANE Select); coding-DNA position 40, C replaced by G.
Protein change: p.Pro14Ala; replaces proline 14 with alanine.
Molecular consequence: missense variant.
Genome position (GRCh38, 1-based): chr17:8,003,087, C>G. VCF-style: chr17-8003087-C-G. GRCh37 (hg19) VCF-style: chr17-7906405-C-G.
Other names: short protein forms P14A.
Identifiers: ClinVar variation 931521 (VCV000931521.6), dbSNP rs1975658549, ClinGen allele CA397942420.

ClinVar aggregate classification (germline): Uncertain significance. Review status: criteria provided, multiple submitters, no conflicts (2 of 4 stars). 2 submissions from 2 submitters: Uncertain significance (2). Last evaluated 2023-07-07.

Conditions:
Choroidal dystrophy, central areolar, 1. Identifiers: Orphanet 75377, MedGen C4551884, MONDO:0024539, OMIM 215500.
Cone-rod dystrophy 6 (CORD6). Also called: Cone dystrophy progressive; RETINAL CONE DYSTROPHY 2. Identifiers: Orphanet 1872, MedGen C1866293, MONDO:0011143, OMIM 601777.
Leber congenital amaurosis 1 (LCA1). Also called: AMAUROSIS CONGENITA OF LEBER I; Congenital absence of the rods and cones; Leber's congenital tapetoretinal degeneration; Leber's congenital tapetoretinal dysplasia; RETINAL BLINDNESS, CONGENITAL. Identifiers: Orphanet 65, MedGen C2931258, MONDO:0008764, OMIM 204000.

Allele frequency attached by ClinVar (database versions not stated): gnomAD exomes below 0.00001.
gnomAD v4.1: 1 of 1,525,410 alleles (0.000066%); highest among the groups gnomAD compares: Non-Finnish European, 0.000088%; no homozygotes.

Submissions (2):

Labcorp Genetics (formerly Invitae), Labcorp
Classification: Uncertain significance for Leber congenital amaurosis 1; Cone-rod dystrophy 6. Last evaluated: 2023-07-07. Review status: criteria provided, single submitter. Criteria: Invitae Variant Classification Sherloc (09022015). Collection method: clinical testing. Allele origin: germline.
Comment: This sequence change replaces proline, which is neutral and non-polar, with alanine, which is neutral and non-polar, at codon 14 of the GUCY2D protein (p.Pro14Ala). This variant is not present in population databases (gnomAD no frequency). This variant has not been reported in the literature in individuals affected with GUCY2D-related conditions. ClinVar contains an entry for this variant (Variation ID: 931521). Advanced modeling of protein sequence and biophysical properties (such as structural, functional, and spatial information, amino acid conservation, physicochemical variation, residue mobility, and thermodynamic stability) performed at Invitae indicates that this missense variant is not expected to disrupt GUCY2D protein function. In summary, the available evidence is currently insufficient to determine the role of this variant in disease. Therefore, it has been classified as a Variant of Uncertain Significance.

Centre for Mendelian Genomics, University Medical Centre Ljubljana
Classification: Uncertain significance for Choroidal dystrophy, central areolar, 1. Last evaluated: 2019-03-31. Review status: criteria provided, single submitter. Criteria: ACMG Guidelines, 2015. Collection method: clinical testing. Allele origin: unknown. Affected: yes.
Comment: This variant was classified as: Uncertain significance. The following ACMG criteria were applied in classifying this variant: PM2.